The following is an entry in ClinVar:

NM_032122.5(DTNBP1):c.888TTC[2] (p.Ser300del)

Gene: DTNBP1 (dystrobrevin binding protein 1; minus strand). Cytogenetic location: 6p22.3.
Variant type: Microsatellite.
Coding change: c.888TTC[2] on transcript NM_032122.5 (MANE Select); two copies in a row of the 3-base unit TTC starting at c.888; the reference has three copies in a row; one copy, 3 bases deleted.
Protein change: p.Ser300del; deletes serine 300.
Molecular consequence: inframe indel (on NM_032122.4).
Genome position (GRCh38, 1-based): chr6:15,523,135-15,523,137, GAA deleted on the plus strand (TTC on the coding strand, the reverse complement: DTNBP1 is on the minus strand); deleting any 3 consecutive bases within chr6:15,523,135-15,523,144 gives the same sequence; the position shown is the placement nearest the transcript's 3' end. VCF-style (leftmost placement, unchanged base first): chr6-15523134-GGAA-G. GRCh37 (hg19) VCF-style: chr6-15523365-GGAA-G.
Other names: c.645TTC[2], p.Ser219del (NM_001271667.2); c.837TTC[2], p.Ser283del (NM_001271668.2); c.783TTC[2], p.Ser265del (NM_001271669.2); c.887_889CTT[2], p.Ser300del (NM_032122.4); c.894_896delTTC (NM_032122.4); short protein forms S219del, S283del, S265del, S300del.
Identifiers: ClinVar variation 3718398 (VCV003718398.2).

ClinVar aggregate classification (germline): Uncertain significance. Review status: criteria provided, multiple submitters, no conflicts (2 of 4 stars). 2 submissions from 2 submitters: Uncertain significance (2). Last evaluated 2025-12-09.

Conditions:
DTNBP1-related disorder. Also called: DTNBP1-related condition.

Submissions (2):

PreventionGenetics, part of Exact Sciences
Classification: Uncertain significance for DTNBP1-related condition. Last evaluated: 2025-12-09. Review status: criteria provided, single submitter. Criteria: ACMG Guidelines, 2015. Collection method: clinical testing. Allele origin: germline.
Comment: The DTNBP1 c.894_896delTTC variant is predicted to result in an in-frame deletion (p.Ser300del). To our knowledge, this variant has not been reported in the literature. This variant is reported in 0.027% of alleles in individuals of East Asian descent in gnomAD. At this time, the clinical significance of this variant is uncertain due to the absence of conclusive functional and genetic evidence.

Labcorp Genetics (formerly Invitae), Labcorp
Classification: Uncertain significance. Last evaluated: 2024-11-11. Review status: criteria provided, single submitter. Criteria: Invitae Variant Classification Sherloc (09022015). Collection method: clinical testing. Allele origin: germline.
Comment: This variant, c.894_896del, results in the deletion of 1 amino acid(s) of the DTNBP1 protein (p.Ser300del), but otherwise preserves the integrity of the reading frame. This variant is present in population databases (rs755396503, gnomAD 0.03%). This variant has not been reported in the literature in individuals affected with DTNBP1-related conditions. Experimental studies and prediction algorithms are not available or were not evaluated, and the functional significance of this variant is currently unknown. In summary, the available evidence is currently insufficient to determine the role of this variant in disease. Therefore, it has been classified as a Variant of Uncertain Significance.